The following is an entry in ClinVar:

ClinVar aggregate classification (germline): Likely pathogenic (1 of 4 stars; one submission).

Conditions:
Hypophosphatasia. Also called: Phosphoethanol-aminuria. Identifiers: Orphanet 436, MedGen C0020630, MeSH D007014, MONDO:0018570.

gnomAD v4.1: 1 of 1,614,214 alleles (0.000062%); highest among the groups gnomAD compares: Non-Finnish European, 0.000085%; no homozygotes.

Submission:

Genomenon, Inc
Classification: Likely pathogenic for Hypophosphatasia. Last evaluated: 2025-08-29. Review status: criteria provided, single submitter. Criteria: Genomenon Sequence Variant Interpretation Standards. Collection method: curation. Allele origin: germline. Affected: yes.
Comment: ALPL Gly386Cys (c.1156G>T) is a missense variant that changes the amino acid at residue 386 from Glycine to Cysteine. This variant has been observed in at least one proband affected with hypophosphatasia (PMID:35878747). The variant was found to segregate with disease in at least one affected family (PMID:35878747). It is absent or not present at a significant frequency in gnomAD. In silico models agree that this variant is possibly or probably damaging. In conclusion, we classify ALPL p.Gly386Cys (c.1156G>T) as a likely pathogenic variant.

Literature cited by the submitters: PubMed 35878747.

NM_000478.6(ALPL):c.1156G>T (p.Gly386Cys)

Gene: ALPL (alkaline phosphatase, biomineralization associated; plus strand). Cytogenetic location: 1p36.12.
Variant type: single nucleotide variant.
Coding change: c.1156G>T on transcript NM_000478.6 (MANE Select); coding-DNA position 1156, G replaced by T.
Protein change: p.Gly386Cys; replaces glycine 386 with cysteine.
Molecular consequence: missense variant.
Genome position (GRCh38, 1-based): chr1:21,575,891, G>T. VCF-style: chr1-21575891-G-T. GRCh37 (hg19) VCF-style: chr1-21902384-G-T.
Other names: c.991G>T, p.Gly331Cys (NM_001127501.4); c.925G>T, p.Gly309Cys (NM_001177520.3); c.1156G>T, p.Gly386Cys (NM_001369803.2, NM_001369804.2, NM_001369805.2); short protein forms G309C, G331C, G386C.
Identifiers: ClinVar variation 4086871 (VCV004086871.1).